The following is an entry in ClinVar:

NM_000268.4(NF2):c.1529A>T (p.Lys510Ile)

Gene: NF2 (NF2, moesin-ezrin-radixin like (MERLIN) tumor suppressor; plus strand). Cytogenetic location: 22q12.2.
Variant type: single nucleotide variant.
Coding change: c.1529A>T on transcript NM_000268.4 (MANE Select); coding-DNA position 1529, A replaced by T.
Protein change: p.Lys510Ile; replaces lysine 510 with isoleucine.
Molecular consequence: missense variant. On other transcripts: non-coding transcript variant (1), intron variant (1).
Genome position (GRCh38, 1-based): chr22:29,678,278, A>T. VCF-style: chr22-29678278-A-T. GRCh37 (hg19) VCF-style: chr22-30074267-A-T.
Other names: c.1415A>T, p.Lys472Ile (NM_001407053.1, NM_001407056.1); c.1406A>T, p.Lys469Ile (NM_001407054.1, NM_001407058.1, NM_181829.3); c.1403A>T, p.Lys468Ile (NM_001407055.1, NM_181828.3); c.1394A>T, p.Lys465Ile (NM_001407057.1, NM_001407059.1); c.1529A>T, p.Lys510Ile (NM_001407060.1, NM_001407066.1, NM_016418.5 and 2 more transcripts); c.1271A>T, p.Lys424Ile (NM_001407062.1); c.1280A>T, p.Lys427Ile (NM_001407063.1, NM_001407064.1, NM_181830.3 and 1 more transcripts); c.995A>T, p.Lys332Ile (NM_001407065.1); and 2 more; short protein forms K465I, K469I, K472I, K332I, K468I, K427I, K424I, K433I.
Identifiers: ClinVar variation 2909842 (VCV002909842.4), dbSNP rs886057337, ClinGen allele CA411149714.

ClinVar aggregate classification (germline): Uncertain significance. Review status: criteria provided, multiple submitters, no conflicts (2 of 4 stars). 2 submissions from 2 submitters: Uncertain significance (2). Last evaluated 2026-07-07.

Conditions:
Neurofibromatosis, type 2 (SWNV). Also called: NF2-Related Schwannomatosis; BILATERAL ACOUSTIC NEUROFIBROMATOSIS; SCHWANNOMATOSIS, VESTIBULAR. Identifiers: Orphanet 637, MedGen C0027832, MONDO:0007039, OMIM 101000. Disease mechanism: loss of function.
Hereditary cancer-predisposing syndrome. Also called: Hereditary Cancer Syndrome; Hereditary neoplastic syndrome; Neoplastic Syndromes, Hereditary; Tumor predisposition. Identifiers: Orphanet 140162, MedGen C0027672, MeSH D009386, MONDO:0015356.

Submissions (2):

Ambry Genetics
Classification: Uncertain significance for Hereditary cancer-predisposing syndrome. Last evaluated: 2026-07-07. Review status: criteria provided, single submitter. Criteria: Ambry Variant Classification Scheme 2023. Collection method: clinical testing. Allele origin: germline.
Comment: The p.K510I variant (also known as c.1529A>T), located in coding exon 14 of the NF2 gene, results from an A to T substitution at nucleotide position 1529. The lysine at codon 510 is replaced by isoleucine, an amino acid with dissimilar properties. This amino acid position is conserved. In addition, the in silico prediction for this alteration is inconclusive. Based on the available evidence, the clinical significance of this variant remains unclear.

Labcorp Genetics (formerly Invitae), Labcorp
Classification: Uncertain significance for Neurofibromatosis, type 2. Last evaluated: 2024-09-12. Review status: criteria provided, single submitter. Criteria: Invitae Variant Classification Sherloc (09022015). Collection method: clinical testing. Allele origin: germline.
Comment: This sequence change replaces lysine, which is basic and polar, with isoleucine, which is neutral and non-polar, at codon 510 of the NF2 protein (p.Lys510Ile). This variant is not present in population databases (gnomAD no frequency). This variant has not been reported in the literature in individuals affected with NF2-related conditions. Invitae Evidence Modeling of protein sequence and biophysical properties (such as structural, functional, and spatial information, amino acid conservation, physicochemical variation, residue mobility, and thermodynamic stability) indicates that this missense variant is not expected to disrupt NF2 protein function with a negative predictive value of 80%. In summary, the available evidence is currently insufficient to determine the role of this variant in disease. Therefore, it has been classified as a Variant of Uncertain Significance.